The following is an entry in ClinVar:

NM_024312.5(GNPTAB):c.2249dup (p.Asn750fs)

Gene: GNPTAB (N-acetylglucosamine-1-phosphate transferase subunits alpha and beta; minus strand). Cytogenetic location: 12q23.2.
Variant type: Duplication.
Coding change: c.2249dup on transcript NM_024312.5 (MANE Select); coding-DNA position 2249, one base duplicated (A; older notation c.2249dupA).
Protein change: p.Asn750fs; shifts the reading frame from asparagine 750.
Molecular consequence: frameshift variant.
Genome position (GRCh38, 1-based): chr12:101,764,668, T duplicated on the plus strand (A on the coding strand, the reverse complement: GNPTAB is on the minus strand); the first of 6 consecutive T bases (chr12:101,764,668-101,764,673); duplicating any one gives the same sequence. VCF-style (leftmost placement, unchanged base first): chr12-101764667-A-AT. GRCh37 (hg19) VCF-style: chr12-102158445-A-AT.
Other names: c.2249dup (NM_024312.4); c.2249dupA (NM_024312.4); c.2249_2250insA (NM_024312.4); short protein forms N750fs.
Identifiers: ClinVar variation 39048 (VCV000039048.6), dbSNP rs281864991, ClinGen allele CA343368.
Genomic context (GRCh38, chr12:101,764,667, plus strand): 5'-AACCTGTTTTTCCTGTGGAGCCACCAAACTGTCATTTGTTTCATCTGTTATTATAGCTTG[A>AT]TTTTTTATTTTAGCATGCTGTGAGTTCATCAGAAATGATCTCAGCAAGGCTGACTTGGAC-3'

ClinVar aggregate classification (germline): Pathogenic. Review status: criteria provided, multiple submitters, no conflicts (2 of 4 stars). 3 submissions from 3 submitters: Pathogenic (2). 1 of the submissions does not count toward it. Last evaluated 2026-02-05.

Conditions:
Mucolipidosis type II. Also called: Mucolipidosis 2; ML 2; Inclusion cell disease; Leroy Disease; N-acetylglucosamine 1phosphotransferase deficiency; ML disorder type 2. Identifiers: Orphanet 576, MedGen C2673377, MONDO:0009650, OMIM 252500.

Submissions (3):

GeneDx
Classification: Pathogenic. Last evaluated: 2026-02-05. Review status: criteria provided, single submitter. Criteria: GeneDx Variant Classification Process June 2021. Collection method: clinical testing. Allele origin: germline. Affected: yes.
Comment: Reported with a second GNPTAB variant in individuals with MLII (PMID: 19659762, 28918368); Frameshift variant predicted to result in protein truncation or nonsense mediated decay in a gene for which loss of function is a known mechanism of disease; Not observed at significant frequency in large population cohorts (gnomAD); This variant is associated with the following publications: (PMID: 19659762, 28918368, 34341521)

Natera, Inc.
Classification: Pathogenic for Mucolipidosis type II. Last evaluated: 2024-11-22. Review status: criteria provided, single submitter. Criteria: Natera Variant Classification Schema (03/2026). Collection method: clinical testing. Allele origin: germline.
Comment: The c.2249dupA variant in GNPTAB is a frameshift variant predicted to shift the reading frame beginning at codon 750 and leads to a stop codon 8 codons downstream. This variant is expected to result in nonsense mediated decay, truncation, or a dysfunctional protein product. This variant is rare in the general population with a frequency below the threshold expected for the associated phenotype(s). This variant has been observed in one or more individuals affected with the associated recessive disease, as either homozygous or compound heterozygous with a second variant (PMID: 34341521, 19659762). Given the available evidence, this variant is classified as Pathogenic.

GeneReviews
No classification provided. Condition: Mucolipidosis type II. Review status: no classification provided. Collection method: literature only. Allele origin: unknown. Not counted in ClinVar's aggregate classification.

Literature cited by the submitters: PubMed 34341521 (cited by Natera, Inc.); PubMed 19659762 (cited by Natera, Inc. and GeneReviews); PubMed 20301728 (cited by GeneReviews); NCBI Bookshelf NBK1828 (cited by GeneReviews).